The following is an entry in ClinVar:

NM_004606.5(TAF1):c.1798C>T (p.Arg600Trp)

Gene: TAF1 (TATA-box binding protein associated factor 1; plus strand). Cytogenetic location: Xq13.1.
Variant type: single nucleotide variant.
Coding change: c.1798C>T on transcript NM_004606.5 (MANE Select); coding-DNA position 1798, C replaced by T.
Protein change: p.Arg600Trp; replaces arginine 600 with tryptophan.
Molecular consequence: missense variant. On other transcripts: non-coding transcript variant (9).
Genome position (GRCh38, 1-based): chrX:71,383,015, C>T. VCF-style: chrX-71383015-C-T. GRCh37 (hg19) VCF-style: chrX-70602865-C-T.
Other names: c.1798C>T, p.Arg600Trp (NM_001286074.2); c.1735C>T, p.Arg579Trp (NM_138923.4); short protein forms R579W, R600W.
Identifiers: ClinVar variation 1711990 (VCV001711990.6), dbSNP rs1234786163, ClinGen allele CA413514461.

ClinVar aggregate classification (germline): Uncertain significance. Review status: criteria provided, multiple submitters, no conflicts (2 of 4 stars). 2 submissions from 2 submitters: Uncertain significance (2). Last evaluated 2024-02-08.

Allele frequency attached by ClinVar (database versions not stated): TOPMed 0.00002.

Submissions (2):

GeneDx
Classification: Uncertain significance. Last evaluated: 2024-02-08. Review status: criteria provided, single submitter. Criteria: GeneDx Variant Classification Process June 2021. Collection method: clinical testing. Allele origin: germline. Affected: yes.
Comment: Not observed at significant frequency in large population cohorts (gnomAD); In silico analysis supports that this missense variant has a deleterious effect on protein structure/function; Has not been previously published as pathogenic or benign to our knowledge

Labcorp Genetics (formerly Invitae), Labcorp
Classification: Uncertain significance. Last evaluated: 2023-06-05. Review status: criteria provided, single submitter. Criteria: Invitae Variant Classification Sherloc (09022015). Collection method: clinical testing. Allele origin: germline.
Comment: An algorithm developed to predict the effect of missense changes on protein structure and function (PolyPhen-2) suggests that this variant is likely to be tolerated. In summary, the available evidence is currently insufficient to determine the role of this variant in disease. Therefore, it has been classified as a Variant of Uncertain Significance. ClinVar contains an entry for this variant (Variation ID: 1711990). This variant has not been reported in the literature in individuals affected with TAF1-related conditions. This variant is not present in population databases (gnomAD no frequency). This sequence change replaces arginine, which is basic and polar, with tryptophan, which is neutral and slightly polar, at codon 620 of the TAF1 protein (p.Arg620Trp).